The following is an entry in ClinVar:

ClinVar aggregate classification (germline): Uncertain significance (1 of 4 stars; one submission).

gnomAD v4.1: 3 of 1,613,444 alleles (0.00019%); highest among the groups gnomAD compares: African/African-American, 0.004%; no homozygotes.

Submission:

Ambry Genetics
Classification: Uncertain significance. Last evaluated: 2024-12-22. Review status: criteria provided, single submitter. Criteria: Ambry Variant Classification Scheme 2023. Collection method: clinical testing. Allele origin: germline.
Comment: The p.L653P variant (also known as c.1958T>C), located in coding exon 10 of the ATRIP gene, results from a T to C substitution at nucleotide position 1958. The leucine at codon 653 is replaced by proline, an amino acid with similar properties. This amino acid position is conserved. In addition, the in silico prediction for this alteration is inconclusive. Based on the available evidence, the clinical significance of this variant remains unclear.

NM_130384.3(ATRIP):c.1958T>C (p.Leu653Pro)

Genes: ATRIP (ATR interacting protein; plus strand), ATRIP-TREX1 (ATRIP-TREX1 readthrough; plus strand). Cytogenetic location: 3p21.31.
Variant type: single nucleotide variant.
Coding change: c.1958T>C on transcript NM_130384.3 (MANE Select); coding-DNA position 1958, T replaced by C.
Protein change: p.Leu653Pro; replaces leucine 653 with proline.
Molecular consequence: missense variant. On other transcripts: non-coding transcript variant (1).
Genome position (GRCh38, 1-based): chr3:48,464,116, T>C. VCF-style: chr3-48464116-T-C. GRCh37 (hg19) VCF-style: chr3-48505515-T-C.
Other names: c.1577T>C, p.Leu526Pro (NM_001271022.2); c.1679T>C, p.Leu560Pro (NM_001271023.2); c.1958T>C, p.Leu653Pro (NM_032166.4); short protein forms L560P, L653P, L526P.
Identifiers: ClinVar variation 3809269 (VCV003809269.1).